The following is an entry in ClinVar:

NM_006593.4(TBR1):c.217G>T (p.Asp73Tyr)

Gene: TBR1 (T-box brain transcription factor 1; plus strand). Cytogenetic location: 2q24.2.
Variant type: single nucleotide variant.
Coding change: c.217G>T on transcript NM_006593.4 (MANE Select); coding-DNA position 217, G replaced by T.
Protein change: p.Asp73Tyr; replaces aspartic acid 73 with tyrosine.
Molecular consequence: missense variant.
Genome position (GRCh38, 1-based): chr2:161,416,627, G>T. VCF-style: chr2-161416627-G-T. GRCh37 (hg19) VCF-style: chr2-162273138-G-T.
Other names: short protein forms D73Y.
Identifiers: ClinVar variation 2234559 (VCV002234559.3), dbSNP rs1401711125, ClinGen allele CA349210916.

ClinVar aggregate classification (germline): Uncertain significance. Review status: criteria provided, multiple submitters, no conflicts (2 of 4 stars). 2 submissions from 2 submitters: Uncertain significance (2). Last evaluated 2025-05-01.

Conditions:
Inborn genetic diseases. Identifiers: MedGen C0950123, MeSH D030342.

Allele frequency attached by ClinVar (database versions not stated): gnomAD 0.00001; TOPMed 0.00001.
gnomAD v4.1: 1 of 1,614,020 alleles (0.000062%); highest among the groups gnomAD compares: African/African-American, 0.0013%; no homozygotes.

Submissions (2):

GeneDx
Classification: Uncertain significance. Last evaluated: 2025-05-01. Review status: criteria provided, single submitter. Criteria: GeneDx Variant Classification Process June 2021. Collection method: clinical testing. Allele origin: germline. Affected: yes.
Comment: Not observed at significant frequency in large population cohorts (gnomAD); In silico analysis suggests that this missense variant does not alter protein structure/function; Has not been previously published as pathogenic or benign to our knowledge

Ambry Genetics
Classification: Uncertain significance for Inborn genetic diseases. Last evaluated: 2021-07-06. Review status: criteria provided, single submitter. Criteria: Ambry Variant Classification Scheme 2023. Collection method: clinical testing. Allele origin: germline.